The following is an entry in ClinVar:

ClinVar aggregate classification (germline): Conflicting classifications of pathogenicity. Review status: criteria provided, conflicting classifications (1 of 4 stars). 14 submissions from 14 submitters: Uncertain significance (5); Likely benign (7). 2 of the submissions do not count toward it. Last evaluated 2026-01-19.

Conditions:
BRCA2-related disorder. Also called: BRCA2-related condition; BRCA2-related disorders. Identifiers: MedGen CN239275.
Hereditary cancer-predisposing syndrome. Also called: Neoplastic Syndromes, Hereditary; Tumor predisposition; Hereditary Cancer Syndrome; Hereditary neoplastic syndrome. Identifiers: Orphanet 140162, MedGen C0027672, MeSH D009386, MONDO:0015356.
Hereditary breast ovarian cancer syndrome. Also called: BRCA1- and BRCA2-Associated Hereditary Breast and Ovarian Cancer; Hereditary breast and ovarian cancer; Hereditary breast and ovarian cancer syndrome; Hereditary breast and ovarian cancer syndrome (HBOC); Breast and ovarian cancer; Hereditary breast and/or ovarian cancer syndrome. Identifiers: Orphanet 145, MedGen C0677776, MeSH D061325, MONDO:0003582. Disease mechanism: loss of function.
Breast-ovarian cancer, familial, susceptibility to, 2 (BROVCA2). Also called: BRCA2 Hereditary Breast and Ovarian Cancer. Identifiers: Orphanet 145, MedGen C2675520, MONDO:0012933, OMIM 612555. Disease mechanism: loss of function.

Allele frequency attached by ClinVar (database versions not stated): gnomAD exomes 0.00001 and 0.00003; ExAC 0.00002; gnomAD 0.00007; TOPMed 0.00012.
gnomAD v4.1: 27 of 1,607,688 alleles (0.0017%); highest among the groups gnomAD compares: Admixed American, 0.039%; no homozygotes.

Submissions (14):

Labcorp Genetics (formerly Invitae), Labcorp
Classification: Likely benign for Hereditary breast ovarian cancer syndrome. Last evaluated: 2026-01-19. Review status: criteria provided, single submitter. Criteria: Invitae Variant Classification Sherloc (09022015). Collection method: clinical testing. Allele origin: germline.

Women's Health and Genetics/Laboratory Corporation of America, LabCorp
Classification: Uncertain significance. Last evaluated: 2025-11-03. Review status: criteria provided, single submitter. Criteria: LabCorp Variant Classification Summary - May 2015. Collection method: clinical testing. Allele origin: germline.
Comment: Variant summary: BRCA2 c.3173A>G (p.Lys1058Arg) results in a conservative amino acid change in the encoded protein sequence. Algorithms developed to predict the effect of missense changes on protein structure and function all suggest that this variant is likely to be tolerated. The variant allele was found at a frequency of 2.8e-05 in 246978 control chromosomes, predominantly at a frequency of 0.00021 within the Latino subpopulation in the gnomAD database. The available data on variant occurrences in the general population are insufficient to allow any conclusion about variant significance. c.3173A>G has been observed in individual affected with Breast Cancer without strong evidence for causality (Diaz-Zabala_2018). This report does not provide unequivocal conclusions about association of the variant with Hereditary Breast And Ovarian Cancer Syndrome. To our knowledge, no experimental evidence demonstrating an impact on protein function has been reported. The following publication has been ascertained in the context of this evaluation (PMID: 30400234). ClinVar contains an entry for this variant (Variation ID: 96786). Based on the evidence outlined above, the variant was classified as uncertain significance.

Quest Diagnostics Nichols Institute San Juan Capistrano
Classification: Uncertain significance. Last evaluated: 2025-05-23. Review status: criteria provided, single submitter. Criteria: Quest Diagnostics criteria. Collection method: clinical testing. Allele origin: unknown.
Comment: The BRCA2 c.3173A>G (p.Lys1058Arg) variant has been reported in the published literature in individuals with breast and/or ovarian cancer (PMIDs: 29351780 (2018), 30400234 (2018), 35264596 (2022)), and is described to be located in a region of the BRCA2 gene that is tolerant to missense sequence changes (PMID: 31911673 (2020)). The frequency of this variant in the general population (Genome Aggregation Database) is uninformative in the assessment of its pathogenicity. Analysis of this variant using bioinformatics tools for the prediction of the effect of amino acid changes on protein structure and function yielded predictions that this variant is benign. Based on the available information, we are unable to determine the clinical significance of this variant.

PreventionGenetics, part of Exact Sciences
Classification: Likely benign for BRCA2-related condition. Last evaluated: 2025-04-16. Review status: criteria provided, single submitter. Criteria: ACMG Guidelines, 2015. Collection method: clinical testing. Allele origin: germline.
Comment: This variant is classified as likely benign based on ACMG/AMP sequence variant interpretation guidelines (Richards et al. 2015 PMID: 25741868, with internal and published modifications).

ARUP Laboratories, Molecular Genetics and Genomics, ARUP Laboratories
Classification: Likely benign. Last evaluated: 2023-07-26. Review status: criteria provided, single submitter. Criteria: ARUP Molecular Germline Variant Investigation Process 2024. Collection method: clinical testing. Allele origin: germline.

University of Washington Department of Laboratory Medicine, University of Washington
Classification: Likely benign for Hereditary cancer-predisposing syndrome. Last evaluated: 2023-03-23. Review status: criteria provided, single submitter. Criteria: Dines et al. (Genet Med. 2020). Collection method: curation. Allele origin: germline.
Comment: Missense variant in a coldspot region where missense variants are very unlikely to be pathogenic (PMID:31911673).

BRCA2 exon 11 coldspot. Reclassification based on statistical prior probability.

St. Jude Molecular Pathology, St. Jude Children's Research Hospital
Classification: Uncertain significance for Breast-ovarian cancer, familial, susceptibility to, 2. Last evaluated: 2022-10-13. Review status: criteria provided, single submitter. Criteria: St. Jude Assertion Criteria 2020. Collection method: clinical testing. Allele origin: germline.
Comment: The BRCA2 c.3173A>G (p.Lys1058Arg) missense change has a maximum subpopulation frequency of 0.021% in gnomAD v2.1.1. The in silico tool REVEL predicts a benign effect on protein function, but to our knowledge this prediction has not been confirmed by functional studies. This variant has been reported in at least one individual with breast cancer (PMID: 30400234). This variant is absent in the FLOSSIES database, which contains genetic variants from women older than 70 years of age who have never had cancer. To our knowledge, this variant has not been reported in individuals with Fanconi anemia. In summary, the evidence currently available is insufficient to determine the clinical significance of this variant. It has therefore been classified as of uncertain significance.

Sema4
Classification: Uncertain significance for Hereditary cancer-predisposing syndrome. Last evaluated: 2021-08-20. Review status: criteria provided, single submitter. Criteria: Sema4 Curation Guidelines. Collection method: curation. Allele origin: germline.
Comment: The BRCA2 c.3173A>G (p.K1058R) variant has been reported in at least one individual with breast cancer (PMID: 30400234). It was observed in 7/33636 chromosomes of the Latino subpopulation in the large and broad cohorts of the Genome Aggregation Database (PMID: 32461654). The variant has been reported in ClinVar (Variation ID 96786). Functional studies have not been performed, and in silico predictions of the variant's effect on protein function are inconclusive. There is no indication that this variant causes disease, but the evidence is insufficient currently to prove that conclusively. Thus, the clinical significance of this variant is currently uncertain.

GeneDx
Classification: Likely benign. Last evaluated: 2020-08-19. Review status: criteria provided, single submitter. Criteria: GeneDx Variant Classification Process June 2021. Collection method: clinical testing. Allele origin: germline. Affected: yes.

Color Diagnostics, LLC DBA Color Health
Classification: Likely benign for Hereditary cancer-predisposing syndrome. Last evaluated: 2018-10-23. Review status: criteria provided, single submitter. Criteria: ACMG Guidelines, 2015. Collection method: clinical testing. Allele origin: germline.

Ambry Genetics
Classification: Likely benign for Hereditary cancer-predisposing syndrome. Last evaluated: 2018-07-10. Review status: criteria provided, single submitter. Criteria: Ambry Variant Classification Scheme 2023. Collection method: clinical testing. Allele origin: germline.

Eurofins Ntd Llc (ga)
Classification: Uncertain significance. Last evaluated: 2015-04-14. Review status: criteria provided, single submitter. Criteria: EGL Classification Definitions 2015. Collection method: clinical testing. Allele origin: germline. Observed: 1 variant allele, 1 heterozygote.

Counsyl
Classification: Uncertain significance for Breast-ovarian cancer, familial, susceptibility to, 2. Last evaluated: 2017-11-27. Review status: no assertion criteria provided. Collection method: clinical testing. Allele origin: unknown. Not counted in ClinVar's aggregate classification.

Sharing Clinical Reports Project (SCRP)
Classification: Benign for Breast-ovarian cancer, familial 2. Last evaluated: 2012-05-03. Review status: no assertion criteria provided. Collection method: clinical testing. Allele origin: germline. Not counted in ClinVar's aggregate classification.

Literature cited by the submitters: PubMed 30400234 (cited by 3 submitters); PubMed 30630528 (cited by Quest Diagnostics Nichols Institute San Juan Capistrano); PubMed 35264596 (cited by Quest Diagnostics Nichols Institute San Juan Capistrano); PubMed 31911673 (cited by Quest Diagnostics Nichols Institute San Juan Capistrano); PubMed 29351780 (cited by Quest Diagnostics Nichols Institute San Juan Capistrano).

NM_000059.4(BRCA2):c.3173A>G (p.Lys1058Arg)

Gene: BRCA2 (BRCA2 DNA repair associated; plus strand). Cytogenetic location: 13q13.1.
Variant type: single nucleotide variant.
Coding change: c.3173A>G on transcript NM_000059.4 (MANE Select); coding-DNA position 3173, A replaced by G.
Protein change: p.Lys1058Arg; replaces lysine 1058 with arginine.
Molecular consequence: missense variant.
Genome position (GRCh38, 1-based): chr13:32,337,528, A>G. VCF-style: chr13-32337528-A-G. GRCh37 (hg19) VCF-style: chr13-32911665-A-G.
Other names: 3401A>G; short protein forms K1058R.
Identifiers: ClinVar variation 96786 (VCV000096786.48), dbSNP rs431825302, ClinGen allele CA017465.